The following is an entry in ClinVar:

NM_001367561.1(DOCK7):c.2870G>A (p.Arg957Gln)

Gene: DOCK7 (dedicator of cytokinesis 7; minus strand). Cytogenetic location: 1p31.3.
Variant type: single nucleotide variant.
Coding change: c.2870G>A on transcript NM_001367561.1 (MANE Select); coding-DNA position 2870, G replaced by A.
Protein change: p.Arg957Gln; replaces arginine 957 with glutamine.
Molecular consequence: missense variant.
Genome position (GRCh38, 1-based): chr1:62,543,735, C>T on the plus strand (G>A on the coding strand, the complement: DOCK7 is on the minus strand). VCF-style: chr1-62543735-C-T. GRCh37 (hg19) VCF-style: chr1-63009406-C-T.
Other names: c.2870G>A, p.Arg957Gln (NM_001271999.2, NM_001330614.2); c.2777G>A, p.Arg926Gln (NM_001272000.2, NM_001272001.2, NM_033407.4); short protein forms R926Q, R957Q.
Identifiers: ClinVar variation 1056366 (VCV001056366.9), dbSNP rs146585621, ClinGen allele CA886147.

ClinVar aggregate classification (germline): Uncertain significance (1 of 4 stars; one submission).

Conditions:
Developmental and epileptic encephalopathy, 23 (DEE23). Also called: Epileptic encephalopathy, early infantile, 23. Identifiers: Orphanet 411986, MedGen C4014492, MONDO:0014371, OMIM 615859.

Allele frequency attached by ClinVar (database versions not stated): gnomAD exomes 0.00001 and 0.00002; ExAC 0.00002; gnomAD 0.00002; ESP Exome Variant Server 0.00008.
gnomAD v4.1: 21 of 1,593,050 alleles (0.0013%); highest among the groups gnomAD compares: South Asian, 0.0023%; no homozygotes.

Submission:

Labcorp Genetics (formerly Invitae), Labcorp
Classification: Uncertain significance for Developmental and epileptic encephalopathy, 23. Last evaluated: 2022-07-19. Review status: criteria provided, single submitter. Criteria: Invitae Variant Classification Sherloc (09022015). Collection method: clinical testing. Allele origin: germline.
Comment: This sequence change replaces arginine, which is basic and polar, with glutamine, which is neutral and polar, at codon 957 of the DOCK7 protein (p.Arg957Gln). This variant is present in population databases (rs146585621, gnomAD 0.006%). This variant has not been reported in the literature in individuals affected with DOCK7-related conditions. ClinVar contains an entry for this variant (Variation ID: 1056366). Algorithms developed to predict the effect of missense changes on protein structure and function are either unavailable or do not agree on the potential impact of this missense change (SIFT: "Deleterious"; PolyPhen-2: "Possibly Damaging"; Align-GVGD: "Class C0"). In summary, the available evidence is currently insufficient to determine the role of this variant in disease. Therefore, it has been classified as a Variant of Uncertain Significance.